The following is an entry in ClinVar:

NM_001042492.3(NF1):c.3841_3842del (p.Ala1281fs)

Gene: NF1 (neurofibromin 1; plus strand). Cytogenetic location: 17q11.2.
Variant type: Deletion.
Coding change: c.3841_3842del on transcript NM_001042492.3 (MANE Select); coding-DNA positions 3841 to 3842, 2 bases deleted (GC; older notation c.3841_3842delGC).
Protein change: p.Ala1281fs; shifts the reading frame from alanine 1281.
Molecular consequence: frameshift variant.
Genome position (GRCh38, 1-based): chr17:31,235,743-31,235,744, GC deleted. VCF-style (leftmost placement, unchanged base first): chr17-31235742-GGC-G. GRCh37 (hg19) VCF-style: chr17-29562760-GGC-G.
Other names: c.3841_3842delGC, p.Ala1281Glnfs (NM_000267.4); short protein forms A1281fs.
Identifiers: ClinVar variation 2850052 (VCV002850052.3), dbSNP rs2508260322, ClinGen allele CA2739267381.

ClinVar aggregate classification (germline): Pathogenic (1 of 4 stars; one submission).

Conditions:
Neurofibromatosis, type 1 (NF1). Also called: VON RECKLINGHAUSEN DISEASE; Neurofibromatosis, type I; Peripheral type neurofibromatosis; NEUROFIBROMATOSIS, TYPE I, SOMATIC. Identifiers: Orphanet 636, MedGen C0027831, MONDO:0018975, OMIM 162200. Disease mechanism: loss of function.

Submission:

Labcorp Genetics (formerly Invitae), Labcorp
Classification: Pathogenic for Neurofibromatosis, type 1. Last evaluated: 2023-03-31. Review status: criteria provided, single submitter. Criteria: Invitae Variant Classification Sherloc (09022015). Collection method: clinical testing. Allele origin: germline.
Comment: This variant has not been reported in the literature in individuals affected with NF1-related conditions. This sequence change creates a premature translational stop signal (p.Ala1281Glnfs*2) in the NF1 gene. It is expected to result in an absent or disrupted protein product. Loss-of-function variants in NF1 are known to be pathogenic (PMID: 10712197, 23913538). This variant is not present in population databases (gnomAD no frequency). For these reasons, this variant has been classified as Pathogenic.

Literature cited by the submitters: PubMed 10712197; PubMed 23913538.